The following is an entry in ClinVar:

ClinVar aggregate classification (germline): Likely benign (0 of 4 stars; one submission).

Conditions:
PKD1L1-related disorder. Also called: PKD1L1-related condition.

Allele frequency attached by ClinVar (database versions not stated): TOPMed 0.00002; ESP Exome Variant Server 0.00008.
gnomAD v4.1: 98 of 1,613,994 alleles (0.0061%); highest among the groups gnomAD compares: Non-Finnish European, 0.008%; no homozygotes.

Submission:

PreventionGenetics, part of Exact Sciences
Classification: Likely benign for PKD1L1-related condition. Last evaluated: 2022-06-21. Review status: no assertion criteria provided. Collection method: clinical testing. Allele origin: germline.
Comment: This variant is classified as likely benign based on ACMG/AMP sequence variant interpretation guidelines (Richards et al. 2015 PMID: 25741868, with internal and published modifications).

NM_138295.5(PKD1L1):c.7728C>A (p.Ser2576=)

Genes: PKD1L1 (polycystin 1 like 1, transient receptor potential channel interacting; minus strand), PKD1L1-AS1 (PKD1L1 antisense RNA 1; plus strand). Cytogenetic location: 7p12.3.
Variant type: single nucleotide variant.
Coding change: c.7728C>A on transcript NM_138295.5 (MANE Select); coding-DNA position 7728, C replaced by A.
Protein change: p.Ser2576=; no amino-acid change (serine 2576 retained).
Molecular consequence: synonymous variant.
Genome position (GRCh38, 1-based): chr7:47,808,346, G>T on the plus strand (C>A on the coding strand, the complement: PKD1L1 is on the minus strand). VCF-style: chr7-47808346-G-T. GRCh37 (hg19) VCF-style: chr7-47847944-G-T.
Identifiers: ClinVar variation 3036758 (VCV003036758.2), dbSNP rs375133399, ClinGen allele CA4251936.